The following is an entry in ClinVar:

NM_000092.5(COL4A4):c.2647C>T (p.Pro883Ser)

Gene: COL4A4 (collagen type IV alpha 4 chain; minus strand). Cytogenetic location: 2q36.3.
Variant type: single nucleotide variant.
Coding change: c.2647C>T on transcript NM_000092.5 (MANE Select); coding-DNA position 2647, C replaced by T.
Protein change: p.Pro883Ser; replaces proline 883 with serine.
Molecular consequence: missense variant.
Genome position (GRCh38, 1-based): chr2:227,056,014, G>A on the plus strand (C>T on the coding strand, the complement: COL4A4 is on the minus strand). VCF-style: chr2-227056014-G-A. GRCh37 (hg19) VCF-style: chr2-227920730-G-A.
Other names: short protein forms P883S.
Identifiers: ClinVar variation 2691612 (VCV002691612.5), dbSNP rs200761108, ClinGen allele CA2144751.

ClinVar aggregate classification (germline): Conflicting classifications of pathogenicity. Review status: criteria provided, conflicting classifications (1 of 4 stars). 3 submissions from 3 submitters: Uncertain significance (2); Likely benign (1). Last evaluated 2026-01-13.

Conditions:
COL4A4-related disorder.

gnomAD v4.1: 17 of 1,613,204 alleles (0.0011%); highest among the groups gnomAD compares: Admixed American, 0.02%; no homozygotes.

Submissions (3):

Labcorp Genetics (formerly Invitae), Labcorp
Classification: Likely benign. Last evaluated: 2026-01-13. Review status: criteria provided, single submitter. Criteria: Invitae Variant Classification Sherloc (09022015). Collection method: clinical testing. Allele origin: germline.

PreventionGenetics, part of Exact Sciences
Classification: Uncertain significance for COL4A4-related condition. Last evaluated: 2025-03-17. Review status: criteria provided, single submitter. Criteria: ACMG Guidelines, 2015. Collection method: clinical testing. Allele origin: germline.
Comment: The COL4A4 c.2647C>T variant is predicted to result in the amino acid substitution p.Pro883Ser. To our knowledge, this variant has not been reported in the literature. This variant is reported in 0.029% of alleles in individuals of Latino descent in gnomAD. At this time, the clinical significance of this variant is uncertain due to the absence of conclusive functional and genetic evidence.

Women's Health and Genetics/Laboratory Corporation of America, LabCorp
Classification: Uncertain significance. Last evaluated: 2023-12-12. Review status: criteria provided, single submitter. Criteria: LabCorp Variant Classification Summary - May 2015. Collection method: clinical testing. Allele origin: germline.
Comment: Variant summary: COL4A4 c.2647C>T (p.Pro883Ser) results in a non-conservative amino acid change in the encoded protein sequence. Four of five in-silico tools predict a benign effect of the variant on protein function. The variant allele was found at a frequency of 4e-05 in 249318 control chromosomes. This frequency is not significantly higher than estimated for a pathogenic variant in COL4A4 causing Alport Syndrome, Autosomal Recessive (4e-05 vs 0.0011), allowing no conclusion about variant significance. To our knowledge, no occurrence of c.2647C>T in individuals affected with Alport Syndrome, Autosomal Recessive and no experimental evidence demonstrating its impact on protein function have been reported. No submitters have cited clinical-significance assessments for this variant to ClinVar after 2014. Based on the evidence outlined above, the variant was classified as uncertain significance.